The following is an entry in ClinVar:

NM_001927.4(DES):c.1013T>C (p.Leu338Pro)

Gene: DES (desmin; plus strand). Cytogenetic location: 2q35.
Variant type: single nucleotide variant.
Coding change: c.1013T>C on transcript NM_001927.4 (MANE Select); coding-DNA position 1013, T replaced by C.
Protein change: p.Leu338Pro; replaces leucine 338 with proline.
Molecular consequence: missense variant.
Genome position (GRCh38, 1-based): chr2:219,420,943, T>C. VCF-style: chr2-219420943-T-C. GRCh37 (hg19) VCF-style: chr2-220285665-T-C.
Other names: c.1013T>C (LRG_380t1); short protein forms L338P.
Identifiers: ClinVar variation 239071 (VCV000239071.9), dbSNP rs57496341, ClinGen allele CA10581950.

ClinVar aggregate classification (germline): Likely pathogenic (1 of 4 stars; one submission).

Conditions:
Desmin-related myofibrillar myopathy (MFM1). Also called: Myofibrillar myopathy 1; Desminopathy; Desmin related myopathy (former name); Desmin storage myopathy (former name); MYOFIBRILLAR MYOPATHY WITH ARRHYTHMOGENIC RIGHT VENTRICULAR CARDIOMYOPATHY; DESMIN-RELATED MYOPATHY WITH ARRHYTHMOGENIC RIGHT VENTRICULAR CARDIOMYOPATHY. Identifiers: Orphanet 363543, Orphanet 98909, MedGen C1832370, MONDO:0011076, OMIM 601419.

Allele frequency attached by ClinVar (database versions not stated): gnomAD exomes below 0.00001.
gnomAD v4.1: 1 of 1,613,562 alleles (0.000062%); highest among the groups gnomAD compares: African/African-American, 0.0013%; no homozygotes.

Submission:

Labcorp Genetics (formerly Invitae), Labcorp
Classification: Likely pathogenic for Desmin-related myofibrillar myopathy. Last evaluated: 2022-11-29. Review status: criteria provided, single submitter. Criteria: Invitae Variant Classification Sherloc (09022015). Collection method: clinical testing. Allele origin: germline.
Comment: This variant has not been reported in the literature in individuals affected with DES-related conditions. ClinVar contains an entry for this variant (Variation ID: 239071). Advanced modeling of protein sequence and biophysical properties (such as structural, functional, and spatial information, amino acid conservation, physicochemical variation, residue mobility, and thermodynamic stability) performed at Invitae indicates that this missense variant is expected to disrupt DES protein function. This variant disrupts the p.Leu338 amino acid residue in DES. Other variant(s) that disrupt this residue have been determined to be pathogenic (PMID: 16865695). This suggests that this residue is clinically significant, and that variants that disrupt this residue are likely to be disease-causing. In summary, the currently available evidence indicates that the variant is pathogenic, but additional data are needed to prove that conclusively. Therefore, this variant has been classified as Likely Pathogenic. This sequence change replaces leucine, which is neutral and non-polar, with proline, which is neutral and non-polar, at codon 338 of the DES protein (p.Leu338Pro). This variant is not present in population databases (gnomAD no frequency).

Literature cited by the submitters: PubMed 16865695.